The following is an entry in ClinVar:

ClinVar aggregate classification (germline): Likely pathogenic. Review status: criteria provided, multiple submitters, no conflicts (2 of 4 stars). 2 submissions from 2 submitters: Likely pathogenic (2). Last evaluated 2025-01-15.

Conditions:
Cardiovascular phenotype. Identifiers: MedGen CN230736.
Dilated cardiomyopathy 1G (CMD1G). Identifiers: Orphanet 154, MedGen C1858763, MONDO:0011400, OMIM 604145.
Autosomal recessive limb-girdle muscular dystrophy type 2J (LGMDR10). Also called: Limb-girdle muscular dystrophy, type 2J; MUSCULAR DYSTROPHY, LIMB-GIRDLE, AUTOSOMAL RECESSIVE 10. Identifiers: Orphanet 140922, MedGen C1837342, MONDO:0012127, OMIM 608807.

Allele frequency attached by ClinVar (database versions not stated): gnomAD exomes below 0.00001; TOPMed below 0.00001; gnomAD 0.00001.

Submissions (2):

Ambry Genetics
Classification: Likely pathogenic for Cardiovascular phenotype. Last evaluated: 2025-01-15. Review status: criteria provided, single submitter. Criteria: Ambry Variant Classification Scheme 2023. Collection method: clinical testing. Allele origin: germline.
Comment: The p.Q9736* variant (also known as c.29206C>T), located in coding exon 117 of the TTN gene, results from a C to T substitution at nucleotide position 29206. This changes the amino acid from a glutamine to a stop codon within coding exon 117. This exon is located in the A-band region of the N2-B isoform of the titin protein and is constitutively expressed in TTN transcripts (percent spliced in or PSI 100%). This variant is considered to be rare based on population cohorts in the Genome Aggregation Database (gnomAD). This alteration is expected to result in loss of function by premature protein truncation or nonsense-mediated mRNA decay. While truncating variants in TTN are present in 1-3% of the general population, truncating variants in the A-band are the most common cause of dilated cardiomyopathy (DCM) (Herman DS et al. N. Engl. J. Med., 2012 Feb;366:619-28; Roberts AM et al. Sci Transl Med, 2015 Jan;7:270ra6). TTN truncating variants encoded in constitutive exons (PSI >90%) have been found to be significantly associated with DCM regardless of their position in titin (Schafer S et al. Nat. Genet., 2017 01;49:46-53). Based on the majority of available evidence to date, this variant is likely to be pathogenic.

Labcorp Genetics (formerly Invitae), Labcorp
Classification: Likely pathogenic for Dilated cardiomyopathy 1G; Autosomal recessive limb-girdle muscular dystrophy type 2J. Last evaluated: 2023-09-25. Review status: criteria provided, single submitter. Criteria: Invitae Variant Classification Sherloc (09022015). Collection method: clinical testing. Allele origin: germline.
Comment: ClinVar contains an entry for this variant (Variation ID: 2034377). This sequence change creates a premature translational stop signal (p.Gln18801*) in the TTN gene. While this is not anticipated to result in nonsense mediated decay, it is expected to create a truncated TTN protein. This variant is not present in population databases (gnomAD no frequency). This variant has not been reported in the literature in individuals affected with TTN-related conditions. This variant is located in the A band of TTN (PMID: 25589632). Truncating variants in this region are significantly overrepresented in patients affected with dilated cardiomyopathy (PMID: 25589632). Truncating variants in this region have also been reported in individuals affected with autosomal recessive centronuclear myopathy (PMID: 23975875). In summary, the currently available evidence indicates that the variant is pathogenic, but additional data are needed to prove that conclusively. Therefore, this variant has been classified as Likely Pathogenic.

Literature cited by the submitters: PubMed 25589632 (cited by Labcorp Genetics (formerly Invitae), Labcorp); PubMed 23975875 (cited by Labcorp Genetics (formerly Invitae), Labcorp).

NM_001267550.2(TTN):c.56401C>T (p.Gln18801Ter)

Genes: TTN (titin; minus strand), TTN-AS1 (TTN antisense RNA 1; plus strand). Cytogenetic location: 2q31.2.
Variant type: single nucleotide variant.
Coding change: c.56401C>T on transcript NM_001267550.2 (MANE Select); coding-DNA position 56401, C replaced by T.
Protein change: p.Gln18801Ter; replaces glutamine 18801 with a stop codon.
Molecular consequence: nonsense.
Genome position (GRCh38, 1-based): chr2:178,599,392, G>A on the plus strand (C>T on the coding strand, the complement: TTN is on the minus strand). VCF-style: chr2-178599392-G-A. GRCh37 (hg19) VCF-style: chr2-179464119-G-A.
Other names: c.51478C>T, p.Gln17160Ter (NM_001256850.1); c.29206C>T, p.Gln9736Ter (NM_003319.4); c.48697C>T, p.Gln16233Ter (NM_133378.4); c.29581C>T, p.Gln9861Ter (NM_133432.3); c.29782C>T, p.Gln9928Ter (NM_133437.4); short protein forms Q9736*, Q16233*, Q17160*, Q9861*, Q9928*, Q18801*.
Identifiers: ClinVar variation 2034377 (VCV002034377.5), dbSNP rs2052670569, ClinGen allele CA349532395.